The following is an entry in ClinVar:

ClinVar aggregate classification (germline): Uncertain significance. Review status: criteria provided, multiple submitters, no conflicts (2 of 4 stars). 2 submissions from 2 submitters: Uncertain significance (2). Last evaluated 2022-12-29.

Allele frequency attached by ClinVar (database versions not stated): gnomAD exomes 0.00004; ExAC 0.00005; 1000 Genomes Project 30x 0.00016; gnomAD 0.00016; 1000 Genomes Project 0.00020; TOPMed 0.00020; ESP Exome Variant Server 0.00023.

Submissions (2):

Labcorp Genetics (formerly Invitae), Labcorp
Classification: Uncertain significance. Last evaluated: 2022-12-29. Review status: criteria provided, single submitter. Criteria: Invitae Variant Classification Sherloc (09022015). Collection method: clinical testing. Allele origin: germline.
Comment: This variant is present in population databases (rs149046299, gnomAD 0.06%), and has an allele count higher than expected for a pathogenic variant. In summary, the available evidence is currently insufficient to determine the role of this variant in disease. Therefore, it has been classified as a Variant of Uncertain Significance. Advanced modeling of protein sequence and biophysical properties (such as structural, functional, and spatial information, amino acid conservation, physicochemical variation, residue mobility, and thermodynamic stability) performed at Invitae indicates that this missense variant is not expected to disrupt KRT83 protein function. This variant has not been reported in the literature in individuals affected with KRT83-related conditions. This sequence change replaces arginine, which is basic and polar, with histidine, which is basic and polar, at codon 293 of the KRT83 protein (p.Arg293His).

Ambry Genetics
Classification: Uncertain significance. Last evaluated: 2021-10-26. Review status: criteria provided, single submitter. Criteria: Ambry Variant Classification Scheme 2023. Collection method: clinical testing. Allele origin: germline.

NM_002282.3(KRT83):c.878G>A (p.Arg293His)

Gene: KRT83 (keratin 83; minus strand). Cytogenetic location: 12q13.13.
Variant type: single nucleotide variant.
Coding change: c.878G>A on transcript NM_002282.3 (MANE Select); coding-DNA position 878, G replaced by A.
Protein change: p.Arg293His; replaces arginine 293 with histidine.
Molecular consequence: missense variant.
Genome position (GRCh38, 1-based): chr12:52,316,896, C>T on the plus strand (G>A on the coding strand, the complement: KRT83 is on the minus strand). VCF-style: chr12-52316896-C-T. GRCh37 (hg19) VCF-style: chr12-52710680-C-T.
Other names: short protein forms R293H.
Identifiers: ClinVar variation 2373590 (VCV002373590.5), dbSNP rs149046299, ClinGen allele CA6577491.